The following is an entry in ClinVar:

ClinVar aggregate classification (germline): Uncertain significance. Review status: criteria provided, multiple submitters, no conflicts (2 of 4 stars). 2 submissions from 2 submitters: Uncertain significance (2). Last evaluated 2024-05-23.

Conditions:
Hereditary cancer-predisposing syndrome. Also called: Hereditary Cancer Syndrome; Tumor predisposition; Hereditary neoplastic syndrome; Neoplastic Syndromes, Hereditary. Identifiers: Orphanet 140162, MedGen C0027672, MeSH D009386, MONDO:0015356.
Neuroblastoma, susceptibility to, 3. Also called: ALK-Related Neuroblastic Tumor Susceptibility. Identifiers: Orphanet 635, MedGen C2751681, MONDO:0013083, OMIM 613014.

Submissions (2):

Ambry Genetics
Classification: Uncertain significance for Hereditary cancer-predisposing syndrome. Last evaluated: 2024-05-23. Review status: criteria provided, single submitter. Criteria: Ambry Variant Classification Scheme 2023. Collection method: clinical testing. Allele origin: germline.
Comment: The p.D642E variant (also known as c.1926C>A), located in coding exon 11 of the ALK gene, results from a C to A substitution at nucleotide position 1926. The aspartic acid at codon 642 is replaced by glutamic acid, an amino acid with highly similar properties. This amino acid position is conserved. In addition, this alteration is predicted to be tolerated by in silico analysis. Since supporting evidence is limited at this time, the clinical significance of this alteration remains unclear.

Labcorp Genetics (formerly Invitae), Labcorp
Classification: Uncertain significance for Neuroblastoma, susceptibility to, 3. Last evaluated: 2022-10-24. Review status: criteria provided, single submitter. Criteria: Invitae Variant Classification Sherloc (09022015). Collection method: clinical testing. Allele origin: germline.
Comment: Algorithms developed to predict the effect of missense changes on protein structure and function output the following: SIFT: "Tolerated"; PolyPhen-2: "Benign"; Align-GVGD: "Class C0". The glutamic acid amino acid residue is found in multiple mammalian species, which suggests that this missense change does not adversely affect protein function. ClinVar contains an entry for this variant (Variation ID: 1052984). This variant has not been reported in the literature in individuals affected with ALK-related conditions. This variant is not present in population databases (gnomAD no frequency). This sequence change replaces aspartic acid, which is acidic and polar, with glutamic acid, which is acidic and polar, at codon 642 of the ALK protein (p.Asp642Glu). In summary, the available evidence is currently insufficient to determine the role of this variant in disease. Therefore, it has been classified as a Variant of Uncertain Significance.

NM_004304.5(ALK):c.1926C>A (p.Asp642Glu)

Gene: ALK (ALK receptor tyrosine kinase; minus strand). Cytogenetic location: 2p23.2.
Variant type: single nucleotide variant.
Coding change: c.1926C>A on transcript NM_004304.5 (MANE Select); coding-DNA position 1926, C replaced by A.
Protein change: p.Asp642Glu; replaces aspartic acid 642 with glutamic acid.
Molecular consequence: missense variant.
Genome position (GRCh38, 1-based): chr2:29,275,214, G>T on the plus strand (C>A on the coding strand, the complement: ALK is on the minus strand). VCF-style: chr2-29275214-G-T. GRCh37 (hg19) VCF-style: chr2-29498080-G-T.
Other names: short protein forms D642E.
Identifiers: ClinVar variation 1052984 (VCV001052984.12), dbSNP rs2148215171, ClinGen allele CA346479806.